The following is an entry in ClinVar:

ClinVar aggregate classification (germline): Uncertain significance. Review status: criteria provided, multiple submitters, no conflicts (2 of 4 stars). 2 submissions from 2 submitters: Uncertain significance (2). Last evaluated 2025-09-01.

Conditions:
Inborn genetic diseases. Identifiers: MedGen C0950123, MeSH D030342.
Baller-Gerold syndrome (BGS). Also called: CRANIOSYNOSTOSIS WITH RADIAL DEFECTS. Identifiers: Orphanet 1225, MedGen C0265308, MONDO:0009039, OMIM 218600.

Allele frequency attached by ClinVar (database versions not stated): gnomAD exomes below 0.00001.
gnomAD v4.1: 2 of 1,613,126 alleles (0.00012%); highest among the groups gnomAD compares: Non-Finnish European, 0.00017%; no homozygotes.

Submissions (2):

Ambry Genetics
Classification: Uncertain significance for Inborn genetic diseases. Last evaluated: 2025-09-01. Review status: criteria provided, single submitter. Criteria: Ambry Variant Classification Scheme 2023. Collection method: clinical testing. Allele origin: germline.
Comment: The p.G331R variant (also known as c.991G>A), located in coding exon 5 of the RECQL4 gene, results from a G to A substitution at nucleotide position 991. The glycine at codon 331 is replaced by arginine, an amino acid with dissimilar properties. This amino acid position is conserved. In addition, this alteration is predicted to be tolerated by in silico analysis. Based on the available evidence, the clinical significance of this variant remains unclear.

Labcorp Genetics (formerly Invitae), Labcorp
Classification: Uncertain significance for Baller-Gerold syndrome. Last evaluated: 2023-05-31. Review status: criteria provided, single submitter. Criteria: Invitae Variant Classification Sherloc (09022015). Collection method: clinical testing. Allele origin: germline.
Comment: This sequence change replaces glycine, which is neutral and non-polar, with arginine, which is basic and polar, at codon 331 of the RECQL4 protein (p.Gly331Arg). This variant is not present in population databases (gnomAD no frequency). In summary, the available evidence is currently insufficient to determine the role of this variant in disease. Therefore, it has been classified as a Variant of Uncertain Significance. Advanced modeling of protein sequence and biophysical properties (such as structural, functional, and spatial information, amino acid conservation, physicochemical variation, residue mobility, and thermodynamic stability) performed at Invitae indicates that this missense variant is not expected to disrupt RECQL4 protein function. ClinVar contains an entry for this variant (Variation ID: 1441537). This variant has not been reported in the literature in individuals affected with RECQL4-related conditions.

NM_004260.4(RECQL4):c.991G>A (p.Gly331Arg)

Gene: RECQL4 (RecQ like helicase 4; minus strand). Cytogenetic location: 8q24.3.
Variant type: single nucleotide variant.
Coding change: c.991G>A on transcript NM_004260.4 (MANE Select); coding-DNA position 991, G replaced by A.
Protein change: p.Gly331Arg; replaces glycine 331 with arginine.
Molecular consequence: missense variant.
Genome position (GRCh38, 1-based): chr8:144,516,128, C>T on the plus strand (G>A on the coding strand, the complement: RECQL4 is on the minus strand). VCF-style: chr8-144516128-C-T. GRCh37 (hg19) VCF-style: chr8-145741512-C-T.
Other names: c.991G>A (NM_004260.3); short protein forms G331R.
Identifiers: ClinVar variation 1441537 (VCV001441537.7), dbSNP rs2130718366, ClinGen allele CA372688408.